The following is an entry in ClinVar:

NM_000067.3(CA2):c.472A>G (p.Lys158Glu)

Gene: CA2 (carbonic anhydrase 2; plus strand). Cytogenetic location: 8q21.2.
Variant type: single nucleotide variant.
Coding change: c.472A>G on transcript NM_000067.3 (MANE Select); coding-DNA position 472, A replaced by G.
Protein change: p.Lys158Glu; replaces lysine 158 with glutamic acid.
Molecular consequence: missense variant.
Genome position (GRCh38, 1-based): chr8:85,475,825, A>G. VCF-style: chr8-85475825-A-G. GRCh37 (hg19) VCF-style: chr8-86388054-A-G.
Other names: c.169A>G, p.Lys57Glu (NM_001293675.2); short protein forms K57E, K158E.
Identifiers: ClinVar variation 911482 (VCV000911482.12), dbSNP rs145667849, ClinGen allele CA4796545.
Genomic context (GRCh38, chr8:85,475,825, plus strand): 5'-TGATAGTATCTTGCCCTTTATGTTTTTCTTTAGGTTGGCAGCGCTAAACCGGGCCTTCAG[A>G]AAGTTGTTGATGTGCTGGATTCCATTAAAACAAAGGTAAATTTGAATTTTCTGCCACCTC-3'
Protein context (NP_000058.1, residues 148-168): KVGSAKPGLQ[Lys158Glu]VVDVLDSIKT

ClinVar aggregate classification (germline): Uncertain significance. Review status: criteria provided, multiple submitters, no conflicts (2 of 4 stars). 3 submissions from 3 submitters: Uncertain significance (2). 1 of the submissions does not count toward it. Last evaluated 2025-09-24.

Conditions:
Osteopetrosis with renal tubular acidosis (OPTB3). Also called: Autosomal recessive osteopetrosis 3. Identifiers: Orphanet 2785, MedGen C0345407, MONDO:0009818, OMIM 259730.

Allele frequency attached by ClinVar (database versions not stated): gnomAD 0.00003; gnomAD exomes 0.00003 and 0.00005; TOPMed 0.00004; ExAC 0.00005; ESP Exome Variant Server 0.00008.

Submissions (3):

Labcorp Genetics (formerly Invitae), Labcorp
Classification: Uncertain significance. Last evaluated: 2025-09-24. Review status: criteria provided, single submitter. Criteria: Invitae Variant Classification Sherloc (09022015). Collection method: clinical testing. Allele origin: germline.
Comment: This sequence change replaces lysine, which is basic and polar, with glutamic acid, which is acidic and polar, at codon 158 of the CA2 protein (p.Lys158Glu). This variant is present in population databases (rs145667849, gnomAD 0.01%). This variant has not been reported in the literature in individuals affected with CA2-related conditions. ClinVar contains an entry for this variant (Variation ID: 911482). Invitae Evidence Modeling of protein sequence and biophysical properties (such as structural, functional, and spatial information, amino acid conservation, physicochemical variation, residue mobility, and thermodynamic stability) indicates that this missense variant is not expected to disrupt CA2 protein function with a negative predictive value of 80%. In summary, the available evidence is currently insufficient to determine the role of this variant in disease. Therefore, it has been classified as a Variant of Uncertain Significance.

Illumina Laboratory Services, Illumina
Classification: Uncertain significance for Osteopetrosis with renal tubular acidosis. Last evaluated: 2018-01-12. Review status: criteria provided, single submitter. Criteria: ICSL Variant Classification Criteria 13 December 2019. Collection method: clinical testing. Allele origin: germline.

Centre for Mendelian Genomics, University Medical Centre Ljubljana
Classification: Likely pathogenic for Osteopetrosis with renal tubular acidosis. Last evaluated: 2019-05-27. Review status: flagged submission. Criteria: ACMG Guidelines, 2015. Collection method: clinical testing. Allele origin: unknown. Affected: yes. Not counted in ClinVar's aggregate classification.
Comment: This variant was classified as: Likely pathogenic. The following ACMG criteria were applied in classifying this variant: PM1,PM2,PP2,PP3.
ClinVar note: Reason: Claim with insufficient supporting evidence